The following is an entry in ClinVar:

NM_003906.5(MCM3AP):c.3303T>C (p.Ser1101=)

Gene: MCM3AP (minichromosome maintenance complex component 3 associated protein; minus strand). Cytogenetic location: 21q22.3.
Variant type: single nucleotide variant.
Coding change: c.3303T>C on transcript NM_003906.5 (MANE Select); coding-DNA position 3303, T replaced by C.
Protein change: p.Ser1101=; no amino-acid change (serine 1101 retained).
Molecular consequence: synonymous variant.
Genome position (GRCh38, 1-based): chr21:46,264,149, A>G on the plus strand (T>C on the coding strand, the complement: MCM3AP is on the minus strand). VCF-style: chr21-46264149-A-G. GRCh37 (hg19) VCF-style: chr21-47684063-A-G.
Other names: c.3303T>C (NM_003906.4).
Identifiers: ClinVar variation 1556500 (VCV001556500.10), dbSNP rs145203960, ClinGen allele CA10076548.

ClinVar aggregate classification (germline): Likely benign. Review status: criteria provided, multiple submitters, no conflicts (2 of 4 stars). 3 submissions from 3 submitters: Likely benign (3). Last evaluated 2025-12-15.

Conditions:
MCM3AP-related disorder. Also called: MCM3AP-related condition.

Allele frequency attached by ClinVar (database versions not stated): gnomAD exomes 0.00004 and 0.00010; ExAC 0.00012; ESP Exome Variant Server 0.00015; gnomAD 0.00022; TOPMed 0.00030; 1000 Genomes Project 30x 0.00047; 1000 Genomes Project 0.00060.
gnomAD v4.1: 88 of 1,613,990 alleles (0.0055%); highest among the groups gnomAD compares: African/African-American, 0.1%; no homozygotes.

Submissions (3):

Labcorp Genetics (formerly Invitae), Labcorp
Classification: Likely benign. Last evaluated: 2025-12-15. Review status: criteria provided, single submitter. Criteria: Invitae Variant Classification Sherloc (09022015). Collection method: clinical testing. Allele origin: germline.

PreventionGenetics, part of Exact Sciences
Classification: Likely benign for MCM3AP-related condition. Last evaluated: 2025-12-04. Review status: criteria provided, single submitter. Criteria: ACMG Guidelines, 2015. Collection method: clinical testing. Allele origin: germline.
Comment: This variant is classified as likely benign based on ACMG/AMP sequence variant interpretation guidelines (Richards et al. 2015 PMID: 25741868, with internal and published modifications).

Blueprint Genetics
Classification: Likely benign. Last evaluated: 2024-03-01. Review status: criteria provided, single submitter. Criteria: ACMG Guidelines, 2015. Collection method: clinical testing. Allele origin: germline.